The following is an entry in ClinVar:

ClinVar aggregate classification (germline): Uncertain significance. Review status: criteria provided, multiple submitters, no conflicts (2 of 4 stars). 6 submissions from 4 submitters: Uncertain significance (5). 1 of the submissions does not count toward it. Last evaluated 2022-08-05.

Conditions:
Joubert syndrome 28 (JBTS28). Identifiers: MedGen C4310705, MONDO:0014928, OMIM 617121.
Meckel syndrome, type 1 (MKS1). Also called: MECKEL-GRUBER SYNDROME, TYPE 1. Identifiers: Orphanet 564, MedGen C3714506, MONDO:0009571, OMIM 249000.
MKS1-related disorder. Also called: MKS1-related condition; MKS1-related disorders. Identifiers: MedGen CN239382.
Joubert syndrome. Also called: Familial aplasia of the vermis; JOUBERT-BOLTSHAUSER SYNDROME. Identifiers: Orphanet 475, MedGen C5979921, MONDO:0018772.
Meckel-Gruber syndrome. Also called: DYSENCEPHALIA SPLANCHNOCYSTICA; GRUBER SYNDROME; Dysencephalia splachnocystica. Identifiers: Orphanet 564, MedGen C0265215, MONDO:0018921.
Bardet-Biedl syndrome 13 (BBS13). Identifiers: Orphanet 110, MedGen C2673873, MONDO:0014441, OMIM 615990.

Allele frequency attached by ClinVar (database versions not stated): gnomAD 0.00001; gnomAD exomes 0.00001 and 0.00002; ExAC 0.00003.
gnomAD v4.1: 12 of 1,613,608 alleles (0.00074%); highest among the groups gnomAD compares: Admixed American, 0.0033%; no homozygotes.

Submissions (6):

Labcorp Genetics (formerly Invitae), Labcorp
Classification: Uncertain significance for Joubert syndrome; Meckel-Gruber syndrome. Last evaluated: 2022-08-05. Review status: criteria provided, single submitter. Criteria: Invitae Variant Classification Sherloc (09022015). Collection method: clinical testing. Allele origin: germline.
Comment: This sequence change replaces threonine, which is neutral and polar, with methionine, which is neutral and non-polar, at codon 243 of the MKS1 protein (p.Thr243Met). This variant is present in population databases (rs749668169, gnomAD 0.006%). This variant has not been reported in the literature in individuals affected with MKS1-related conditions. ClinVar contains an entry for this variant (Variation ID: 594241). Advanced modeling of protein sequence and biophysical properties (such as structural, functional, and spatial information, amino acid conservation, physicochemical variation, residue mobility, and thermodynamic stability) performed at Invitae indicates that this missense variant is expected to disrupt MKS1 protein function. In summary, the available evidence is currently insufficient to determine the role of this variant in disease. Therefore, it has been classified as a Variant of Uncertain Significance.

Genome-Nilou Lab
Classification: Uncertain significance for Bardet-Biedl syndrome 13. Last evaluated: 2021-07-14. Review status: criteria provided, single submitter. Criteria: ACMG Guidelines, 2015. Collection method: clinical testing. Allele origin: germline. Affected: no.

Genome-Nilou Lab
Classification: Uncertain significance for Joubert syndrome 28. Last evaluated: 2021-07-14. Review status: criteria provided, single submitter. Criteria: ACMG Guidelines, 2015. Collection method: clinical testing. Allele origin: germline. Affected: no.

Genome-Nilou Lab
Classification: Uncertain significance for Meckel syndrome, type 1. Last evaluated: 2021-07-14. Review status: criteria provided, single submitter. Criteria: ACMG Guidelines, 2015. Collection method: clinical testing. Allele origin: germline. Affected: no.

Eurofins Ntd Llc (ga)
Classification: Uncertain significance. Last evaluated: 2017-09-28. Review status: criteria provided, single submitter. Criteria: EGL Classification Definitions 2015. Collection method: clinical testing. Allele origin: germline. Observed: 1 variant allele, 1 heterozygote.

PreventionGenetics, part of Exact Sciences
Classification: Uncertain significance for MKS1-related condition. Last evaluated: 2024-08-19. Review status: no assertion criteria provided. Collection method: clinical testing. Allele origin: germline. Not counted in ClinVar's aggregate classification.
Comment: The MKS1 c.728C>T variant is predicted to result in the amino acid substitution p.Thr243Met. To our knowledge, this variant has not been reported in the literature. This variant is reported in 0.0065% of alleles in individuals of South Asian descent in gnomAD. At this time, the clinical significance of this variant is uncertain due to the absence of conclusive functional and genetic evidence.

NM_017777.4(MKS1):c.728C>T (p.Thr243Met)

Gene: MKS1 (MKS transition zone complex subunit 1; minus strand). Cytogenetic location: 17q22.
Variant type: single nucleotide variant.
Coding change: c.728C>T on transcript NM_017777.4 (MANE Select); coding-DNA position 728, C replaced by T.
Protein change: p.Thr243Met; replaces threonine 243 with methionine.
Molecular consequence: missense variant.
Genome position (GRCh38, 1-based): chr17:58,213,786, G>A on the plus strand (C>T on the coding strand, the complement: MKS1 is on the minus strand). VCF-style: chr17-58213786-G-A. GRCh37 (hg19) VCF-style: chr17-56291147-G-A.
Other names: c.119C>T, p.Thr40Met (NM_001321268.2); c.728C>T, p.Thr243Met (NM_001321269.2, NM_001330397.2); short protein forms T243M, T40M.
Identifiers: ClinVar variation 594241 (VCV000594241.10), dbSNP rs749668169, ClinGen allele CA8669438.